The following is an entry in ClinVar:

NM_006087.4(TUBB4A):c.166+7C>A

Gene: TUBB4A (tubulin beta 4A class IVa; minus strand). Cytogenetic location: 19p13.3.
Variant type: single nucleotide variant.
Coding change: c.166+7C>A on transcript NM_006087.4 (MANE Select); 7 bases into the intron after coding-DNA position 166, C replaced by A.
Molecular consequence: intron variant.
Genome position (GRCh38, 1-based): chr19:6,501,508, G>T on the plus strand (C>A on the coding strand, the complement: TUBB4A is on the minus strand). VCF-style: chr19-6501508-G-T. GRCh37 (hg19) VCF-style: chr19-6501519-G-T.
Other names: c.166+7C>A (NM_001289129.2); c.301+7C>A (NM_001289127.2); c.319+7C>A (NM_001289123.2); c.-51+7C>A (NM_001289131.2, NM_001289130.2).
Identifiers: ClinVar variation 3029031 (VCV003029031.2), dbSNP rs200039349, ClinGen allele CA2740091856.

ClinVar aggregate classification (germline): Likely benign (0 of 4 stars; one submission).

Conditions:
TUBB4A-related disorder. Also called: TUBB4A-related condition.

Submission:

PreventionGenetics, part of Exact Sciences
Classification: Likely benign for TUBB4A-related condition. Last evaluated: 2023-09-27. Review status: no assertion criteria provided. Collection method: clinical testing. Allele origin: germline.
Comment: This variant is classified as likely benign based on ACMG/AMP sequence variant interpretation guidelines (Richards et al. 2015 PMID: 25741868, with internal and published modifications).